The following is an entry in ClinVar:

NM_002144.4(HOXB1):c.815del (p.Pro272fs)

Gene: HOXB1 (homeobox B1; minus strand). Cytogenetic location: 17q21.32.
Variant type: Deletion.
Coding change: c.815del on transcript NM_002144.4 (MANE Select); coding-DNA position 815, one base deleted (C; older notation c.815delC).
Protein change: p.Pro272fs; shifts the reading frame from proline 272.
Molecular consequence: frameshift variant.
Genome position (GRCh38, 1-based): chr17:48,529,638, G deleted on the plus strand (C on the coding strand, the reverse complement: HOXB1 is on the minus strand); the first of 4 consecutive G bases (chr17:48,529,638-48,529,641); deleting any one gives the same sequence. VCF-style (leftmost placement, unchanged base first): chr17-48529637-TG-T. GRCh37 (hg19) VCF-style: chr17-46606999-TG-T.
Other names: short protein forms P272fs.
Identifiers: ClinVar variation 4886290 (VCV004886290.2).

ClinVar aggregate classification (germline): Uncertain significance (1 of 4 stars; one submission).

Submission:

Dasa
Classification: Uncertain significance. Last evaluated: 2025-05-15. Review status: criteria provided, single submitter. Criteria: DASA Assertion Criteria. Collection method: clinical testing. Allele origin: germline.
Comment: NM_002144.4(HOXB1):c.815del (p.Pro272Hisfs*75) is a frameshift variant in HOXB1 predicted to alter the reading frame and introduce a premature termination codon. This variant is rare in population databases. The currently available literature and clinical evidence are not sufficient to establish a definitive association between this variant and the reported condition. Therefore, this variant is classified as a variant of uncertain significance.